The following is an entry in ClinVar:

ClinVar aggregate classification (germline): Uncertain significance. Review status: criteria provided, multiple submitters, no conflicts (2 of 4 stars). 2 submissions from 2 submitters: Uncertain significance (2). Last evaluated 2025-11-05.

Conditions:
Charcot-Marie-Tooth disease type 2. Also called: Charcot-Marie-Tooth type 2. Identifiers: Orphanet 64746, MedGen C0270914, MONDO:0018993.

Submissions (2):

Labcorp Genetics (formerly Invitae), Labcorp
Classification: Uncertain significance for Charcot-Marie-Tooth disease type 2. Last evaluated: 2025-11-05. Review status: criteria provided, single submitter. Criteria: Invitae Variant Classification Sherloc (09022015). Collection method: clinical testing. Allele origin: germline.
Comment: This sequence change replaces threonine, which is neutral and polar, with lysine, which is basic and polar, at codon 240 of the AARS protein (p.Thr240Lys). This variant is not present in population databases (gnomAD no frequency). This variant has not been reported in the literature in individuals affected with AARS-related conditions. ClinVar contains an entry for this variant (Variation ID: 430420). Invitae Evidence Modeling of protein sequence and biophysical properties (such as structural, functional, and spatial information, amino acid conservation, physicochemical variation, residue mobility, and thermodynamic stability) indicates that this missense variant is expected to disrupt AARS protein function with a positive predictive value of 80%. In summary, the available evidence is currently insufficient to determine the role of this variant in disease. Therefore, it has been classified as a Variant of Uncertain Significance.

GeneDx
Classification: Uncertain significance. Last evaluated: 2017-05-23. Review status: criteria provided, single submitter. Criteria: GeneDx Variant Classification (06012015). Collection method: clinical testing. Allele origin: germline. Affected: yes.
Comment: The T240K variant has not been published as a pathogenic variant, nor has it been reported as a benign variant to our knowledge. The T240K variant is not observed at a significant frequency in large population cohorts (Lek et al., 2016; 1000 Genomes Consortium et al., 2015; Exome Variant Server). This variant is a semi-conservative amino acid substitution, which may impact secondary protein structure as these residues differ in some properties. This substitution occurs at a position that is conserved across species, and in silico analysis predicts this variant is probably damaging to the protein structure/function. However, missense variants in nearby residues have not been reported in the Human Gene Mutation Database in association with AARS-related disorders (Stenson et al., 2014).

NM_001605.3(AARS1):c.719C>A (p.Thr240Lys)

Gene: AARS1 (alanyl-tRNA synthetase 1; minus strand). Cytogenetic location: 16q22.1.
Variant type: single nucleotide variant.
Coding change: c.719C>A on transcript NM_001605.3 (MANE Select); coding-DNA position 719, C replaced by A.
Protein change: p.Thr240Lys; replaces threonine 240 with lysine.
Molecular consequence: missense variant.
Genome position (GRCh38, 1-based): chr16:70,270,293, G>T on the plus strand (C>A on the coding strand, the complement: AARS1 is on the minus strand). VCF-style: chr16-70270293-G-T. GRCh37 (hg19) VCF-style: chr16-70304196-G-T.
Other names: short protein forms T240K.
Identifiers: ClinVar variation 430420 (VCV000430420.3), dbSNP rs1131691953, ClinGen allele CA396565547.